The following is an entry in ClinVar:

ClinVar aggregate classification (germline): Uncertain significance. Review status: criteria provided, multiple submitters, no conflicts (2 of 4 stars). 2 submissions from 2 submitters: Uncertain significance (2). Last evaluated 2025-09-09.

Conditions:
Inborn genetic diseases. Identifiers: MedGen C0950123, MeSH D030342.
46,XY sex reversal 6. Also called: 46,XY SEX REVERSAL, PARTIAL OR COMPLETE, MAP3K1-RELATED; 46,XY GONADAL DYSGENESIS, PARTIAL OR COMPLETE, MAP3K1-RELATED. Identifiers: MedGen C3151064, MONDO:0013410, OMIM 613762.

Allele frequency attached by ClinVar (database versions not stated): gnomAD exomes 0.00001 and 0.00003; gnomAD 0.00002; ExAC 0.00022.
gnomAD v4.1: 18 of 1,349,752 alleles (0.0013%); highest among the groups gnomAD compares: South Asian, 0.032%; 1 homozygote.

Submissions (2):

Ambry Genetics
Classification: Uncertain significance for Inborn genetic diseases. Last evaluated: 2025-09-09. Review status: criteria provided, single submitter. Criteria: Ambry Variant Classification Scheme 2023. Collection method: clinical testing. Allele origin: germline.

Labcorp Genetics (formerly Invitae), Labcorp
Classification: Uncertain significance for 46,XY sex reversal 6. Last evaluated: 2021-03-08. Review status: criteria provided, single submitter. Criteria: Invitae Variant Classification Sherloc (09022015). Collection method: clinical testing. Allele origin: germline.
Comment: This variant has not been reported in the literature in individuals with MAP3K1-related conditions. This sequence change replaces alanine with threonine at codon 55 of the MAP3K1 protein (p.Ala55Thr). The alanine residue is highly conserved and there is a small physicochemical difference between alanine and threonine. While this variant is present in population databases (rs769918068), the frequency information is unreliable, as metrics indicate poor data quality at this position in the ExAC database. Advanced modeling of protein sequence and biophysical properties (such as structural, functional, and spatial information, amino acid conservation, physicochemical variation, residue mobility, and thermodynamic stability) performed at Invitae indicates that this missense variant is not expected to disrupt MAP3K1 protein function. In summary, the available evidence is currently insufficient to determine the role of this variant in disease. Therefore, it has been classified as a Variant of Uncertain Significance.

NM_005921.2(MAP3K1):c.163G>A (p.Ala55Thr)

Genes: MAP3K1 (mitogen-activated protein kinase kinase kinase 1; plus strand), LOC129993918 (ATAC-STARR-seq lymphoblastoid silent region 16021; plus strand). Cytogenetic location: 5q11.2.
Variant type: single nucleotide variant.
Coding change: c.163G>A on transcript NM_005921.2 (MANE Select); coding-DNA position 163, G replaced by A.
Protein change: p.Ala55Thr; replaces alanine 55 with threonine.
Molecular consequence: missense variant.
Genome position (GRCh38, 1-based): chr5:56,815,736, G>A. VCF-style: chr5-56815736-G-A. GRCh37 (hg19) VCF-style: chr5-56111563-G-A.
Other names: c.163G>A (NM_005921.1); short protein forms A55T.
Identifiers: ClinVar variation 1422644 (VCV001422644.9), dbSNP rs769918068, ClinGen allele CA3272498.